The following is an entry in ClinVar:

ClinVar aggregate classification (germline): Likely pathogenic (0 of 4 stars; one submission).

Conditions:
Hypertrophic osteoarthropathy, primary, autosomal recessive, 2 (PHOAR2E). Also called: PHOAR2-enteropathy syndrome; PACHYDERMOPERIOSTOSIS, AUTOSOMAL RECESSIVE; PDP, AUTOSOMAL RECESSIVE; HYPERTROPHIC OSTEOARTHROPATHY, PRIMARY, AUTOSOMAL RECESSIVE, 2/ENTEROPATHY SYNDROME. Identifiers: Orphanet 2796, MedGen C3280800, MONDO:0013756, OMIM 614441.

Submission:

Diagnostics Division, CENTRE FOR DNA FINGERPRINTING AND DIAGNOSTICS
Classification: Likely pathogenic for Hypertrophic osteoarthropathy, primary, autosomal recessive, 2. Last evaluated: 2019-01-01. Review status: no assertion criteria provided. Collection method: research. Allele origin: germline. Affected: yes. Observed: 1 variant allele.
Comment: Missense variant

NM_005630.3(SLCO2A1):c.614C>T (p.Pro205Leu)

Gene: SLCO2A1 (solute carrier organic anion transporter family member 2A1; minus strand). Cytogenetic location: 3q22.1.
Variant type: single nucleotide variant.
Coding change: c.614C>T on transcript NM_005630.3 (MANE Select); coding-DNA position 614, C replaced by T.
Protein change: p.Pro205Leu; replaces proline 205 with leucine.
Molecular consequence: missense variant.
Genome position (GRCh38, 1-based): chr3:133,954,977, G>A on the plus strand (C>T on the coding strand, the complement: SLCO2A1 is on the minus strand). VCF-style: chr3-133954977-G-A. GRCh37 (hg19) VCF-style: chr3-133673821-G-A.
Other names: short protein forms P205L.
Identifiers: ClinVar variation 1177558 (VCV001177558.2), dbSNP rs2108045784, ClinGen allele CA354618047.